The following is an entry in ClinVar:

NM_213599.3(ANO5):c.1180G>A (p.Val394Ile)

Gene: ANO5 (anoctamin 5; plus strand). Cytogenetic location: 11p14.3.
Variant type: single nucleotide variant.
Coding change: c.1180G>A on transcript NM_213599.3 (MANE Select); coding-DNA position 1180, G replaced by A.
Protein change: p.Val394Ile; replaces valine 394 with isoleucine.
Molecular consequence: missense variant.
Genome position (GRCh38, 1-based): chr11:22,251,011, G>A. VCF-style: chr11-22251011-G-A. GRCh37 (hg19) VCF-style: chr11-22272557-G-A.
Other names: c.1177G>A, p.Val393Ile (NM_001142649.2); c.1138G>A, p.Val380Ile (NM_001410963.1); c.1135G>A, p.Val379Ile (NM_001410964.1); short protein forms V393I, V380I, V379I, V394I.
Identifiers: ClinVar variation 2948137 (VCV002948137.3), dbSNP rs2494261418, ClinGen allele CA379921331.

ClinVar aggregate classification (germline): Uncertain significance (1 of 4 stars; one submission).

Conditions:
Gnathodiaphyseal dysplasia (GDD). Also called: GNATHODIAPHYSEAL SCLEROSIS; OSTEOGENESIS IMPERFECTA WITH UNUSUAL SKELETAL LESIONS. Identifiers: Orphanet 53697, MedGen C1833736, MONDO:0008151, OMIM 166260.
Autosomal recessive limb-girdle muscular dystrophy type 2L (LGMDR12). Also called: Limb-girdle muscular dystrophy, type 2L; MUSCULAR DYSTROPHY, LIMB-GIRDLE, AUTOSOMAL RECESSIVE 12; Limb-Girdle Muscular Dystrophy R12 Anoctamin-5-Related (LGMD-R12). Identifiers: Orphanet 206549, MedGen C1969785, MONDO:0012652, OMIM 611307.

Allele frequency attached by ClinVar (database versions not stated): gnomAD exomes below 0.00001.
gnomAD v4.1: 1 of 1,609,524 alleles (0.000062%); highest among the groups gnomAD compares: Non-Finnish European, 0.000085%; no homozygotes.

Submission:

Labcorp Genetics (formerly Invitae), Labcorp
Classification: Uncertain significance for Autosomal recessive limb-girdle muscular dystrophy type 2L; Gnathodiaphyseal dysplasia. Last evaluated: 2023-06-06. Review status: criteria provided, single submitter. Criteria: Invitae Variant Classification Sherloc (09022015). Collection method: clinical testing. Allele origin: germline.
Comment: In summary, the available evidence is currently insufficient to determine the role of this variant in disease. Therefore, it has been classified as a Variant of Uncertain Significance. This sequence change replaces valine, which is neutral and non-polar, with isoleucine, which is neutral and non-polar, at codon 394 of the ANO5 protein (p.Val394Ile). This variant also falls at the last nucleotide of exon 12, which is part of the consensus splice site for this exon. This variant is not present in population databases (gnomAD no frequency). This variant has not been reported in the literature in individuals affected with ANO5-related conditions. An algorithm developed to predict the effect of missense changes on protein structure and function (PolyPhen-2) suggests that this variant is likely to be tolerated. Variants that disrupt the consensus splice site are a relatively common cause of aberrant splicing (PMID: 17576681, 9536098). Algorithms developed to predict the effect of sequence changes on RNA splicing suggest that this variant may disrupt the consensus splice site.

Literature cited by the submitters: PubMed 17576681; PubMed 9536098.